The following is an entry in ClinVar:

NM_001103.4(ACTN2):c.2423C>T (p.Thr808Ile)

Gene: ACTN2 (actinin alpha 2; plus strand). Cytogenetic location: 1q43.
Variant type: single nucleotide variant.
Coding change: c.2423C>T on transcript NM_001103.4 (MANE Select); coding-DNA position 2423, C replaced by T.
Protein change: p.Thr808Ile; replaces threonine 808 with isoleucine.
Molecular consequence: missense variant.
Genome position (GRCh38, 1-based): chr1:236,761,070, C>T. VCF-style: chr1-236761070-C-T. GRCh37 (hg19) VCF-style: chr1-236924370-C-T.
Other names: c.2423C>T, p.Thr808Ile (NM_001278343.2); c.1799C>T, p.Thr600Ile (NM_001278344.2); short protein forms T808I, T600I.
Identifiers: ClinVar variation 412276 (VCV000412276.24), dbSNP rs148833906, ClinGen allele CA1473441.

ClinVar aggregate classification (germline): Conflicting classifications of pathogenicity. Review status: criteria provided, conflicting classifications (1 of 4 stars). 7 submissions from 7 submitters: Uncertain significance (4); Likely benign (2). 1 of the submissions does not count toward it. Last evaluated 2026-02-13.

Conditions:
ACTN2-related disorder. Also called: ACTN2 related condition; ACTN2-related disorders.
Myopathy, congenital, with structured cores and z-line abnormalities. Also called: MULTIPLE STRUCTURED CORE DISEASE; CONGENITAL MYOPATHY 8. Identifiers: MedGen C5231445, MONDO:0032852, OMIM 618654.
Myopathy, distal, 6, adult-onset, autosomal dominant. Identifiers: MedGen C5203349, MONDO:0032853, OMIM 618655.
Dilated cardiomyopathy 1AA (CMD1AA). Also called: CARDIOMYOPATHY, DILATED, 1AA, WITH OR WITHOUT LEFT VENTRICULAR NONCOMPACTION; CARDIOMYOPATHY, FAMILIAL HYPERTROPHIC, 23, WITH OR WITHOUT LEFT VENTRICULAR NONCOMPACTION; Cardiomyopathy, dilated, 1AA, with or without LVNC. Identifiers: Orphanet 154, MedGen C2677338, MONDO:0012808, OMIM 612158.
Cardiovascular phenotype. Identifiers: MedGen CN230736.
Primary familial hypertrophic cardiomyopathy (HCM). Identifiers: Orphanet 99739, MedGen C0949658, MeSH D024741, MONDO:0024573. Inheritance: Various modes of inheritance.
Primary dilated cardiomyopathy (DCM). Also called: Dilated Cardiomyopathy. Identifiers: Orphanet 217604, MedGen C0007193, MeSH D002311, MONDO:0005021, HP:0001644. Inheritance: Various modes of inheritance.

Allele frequency attached by ClinVar (database versions not stated): TOPMed 0.00014; ESP Exome Variant Server 0.00023.
gnomAD v4.1: 46 of 1,614,064 alleles (0.0028%); highest among the groups gnomAD compares: African/African-American, 0.059%; 1 homozygote.

Submissions (7):

PreventionGenetics, part of Exact Sciences
Classification: Likely benign for ACTN2-related condition. Last evaluated: 2026-02-13. Review status: criteria provided, single submitter. Criteria: ACMG Guidelines, 2015. Collection method: clinical testing. Allele origin: germline.
Comment: This variant is classified as likely benign based on ACMG/AMP sequence variant interpretation guidelines (Richards et al. 2015 PMID: 25741868, with internal and published modifications).

Labcorp Genetics (formerly Invitae), Labcorp
Classification: Likely benign for Primary familial hypertrophic cardiomyopathy; Dilated cardiomyopathy 1AA. Last evaluated: 2026-02-03. Review status: criteria provided, single submitter. Criteria: Invitae Variant Classification Sherloc (09022015). Collection method: clinical testing. Allele origin: germline.

Ambry Genetics
Classification: Uncertain significance for Cardiovascular phenotype. Last evaluated: 2024-07-26. Review status: criteria provided, single submitter. Criteria: Ambry Variant Classification Scheme 2023. Collection method: clinical testing. Allele origin: germline.
Comment: The p.T808I variant (also known as c.2423C>T), located in coding exon 20 of the ACTN2 gene, results from a C to T substitution at nucleotide position 2423. The threonine at codon 808 is replaced by isoleucine, an amino acid with similar properties. This amino acid position is not well conserved in available vertebrate species. In addition, this alteration is predicted to be tolerated by in silico analysis. Since supporting evidence is limited at this time, the clinical significance of this alteration remains unclear.

Fulgent Genetics
Classification: Uncertain significance for Dilated cardiomyopathy 1AA; Myopathy, congenital, with structured cores and z-line abnormalities; Myopathy, distal, 6, adult-onset, autosomal dominant. Last evaluated: 2021-09-13. Review status: criteria provided, single submitter. Criteria: ACMG Guidelines, 2015. Collection method: clinical testing. Allele origin: unknown.

GeneDx
Classification: Uncertain significance. Last evaluated: 2021-09-02. Review status: criteria provided, single submitter. Criteria: GeneDx Variant Classification Process June 2021. Collection method: clinical testing. Allele origin: germline. Affected: yes.
Comment: Has not been previously published as pathogenic or benign to our knowledge; In silico analysis supports that this missense variant does not alter protein structure/function; Reported in ClinVar as a variant of uncertain significance (ClinVar Variant ID#412276; Landrum et al., 2016)

Women's Health and Genetics/Laboratory Corporation of America, LabCorp
Classification: Uncertain significance. Last evaluated: 2021-01-28. Review status: criteria provided, single submitter. Criteria: LabCorp Variant Classification Summary - May 2015. Collection method: clinical testing. Allele origin: germline.
Comment: Variant summary: ACTN2 c.2423C>T (p.Thr808Ile) results in a non-conservative amino acid change located in the EF-hand domain (IPR002048) of the encoded protein sequence. Three of five in-silico tools predict a benign effect of the variant on protein function. The variant allele was found at a frequency of 3.6e-05 in 251494 control chromosomes, predominantly at a frequency of 0.00055 within the African or African-American subpopulation in the gnomAD database. The available data on variant occurrences in the general population are insufficient to allow any conclusion about variant significance. To our knowledge, no occurrence of c.2423C>T in individuals affected with Cardiomyopathy and no experimental evidence demonstrating its impact on protein function have been reported. Three clinical diagnostic laboratories have submitted clinical-significance assessments for this variant to ClinVar after 2014 without evidence for independent evaluation. All laboratories classified the variant as uncertain significance. Based on the evidence outlined above, the variant was classified as uncertain significance.

Clinical Molecular Genetics Laboratory, Johns Hopkins All Children's Hospital
Classification: Uncertain significance for Dilated cardiomyopathy. Last evaluated: 2016-11-30. Review status: no assertion criteria provided. Collection method: clinical testing. Allele origin: germline. Affected: yes. Not counted in ClinVar's aggregate classification.